The following is an entry in ClinVar:

ClinVar aggregate classification (germline): Uncertain significance (1 of 4 stars; one submission).

Conditions:
Familial cancer of breast. Also called: Hereditary breast cancer; hereditary breast carcinoma; BREAST CANCER, FAMILIAL. Identifiers: Orphanet 227535, MedGen C0346153, MONDO:0016419, OMIM 114480. Disease mechanism: loss of function.

Submission:

Labcorp Genetics (formerly Invitae), Labcorp
Classification: Uncertain significance for Familial cancer of breast. Last evaluated: 2021-01-13. Review status: criteria provided, single submitter. Criteria: Invitae Variant Classification Sherloc (09022015). Collection method: clinical testing. Allele origin: germline.
Comment: Algorithms developed to predict the effect of missense changes on protein structure and function output the following: SIFT: "Tolerated"; PolyPhen-2: "Benign"; Align-GVGD: "Class C0". The serine amino acid residue is found in multiple mammalian species, suggesting that this missense change does not adversely affect protein function. These predictions have not been confirmed by published functional studies and their clinical significance is uncertain. In summary, the available evidence is currently insufficient to determine the role of this variant in disease. Therefore, it has been classified as a Variant of Uncertain Significance. This variant has not been reported in the literature in individuals with BARD1-related conditions. This variant is not present in population databases (ExAC no frequency). This sequence change replaces threonine with serine at codon 338 of the BARD1 protein (p.Thr338Ser). The threonine residue is weakly conserved and there is a small physicochemical difference between threonine and serine.

NM_000465.4(BARD1):c.1013C>G (p.Thr338Ser)

Gene: BARD1 (BRCA1 associated RING domain 1; minus strand). Cytogenetic location: 2q35.
Variant type: single nucleotide variant.
Coding change: c.1013C>G on transcript NM_000465.4 (MANE Select); coding-DNA position 1013, C replaced by G.
Protein change: p.Thr338Ser; replaces threonine 338 with serine.
Molecular consequence: missense variant. On other transcripts: non-coding transcript variant (2), intron variant (3).
Genome position (GRCh38, 1-based): chr2:214,780,861, G>C on the plus strand (C>G on the coding strand, the complement: BARD1 is on the minus strand). VCF-style: chr2-214780861-G-C. GRCh37 (hg19) VCF-style: chr2-215645585-G-C.
Other names: c.956C>G, p.Thr319Ser (NM_001282543.2); c.159-28306C>G (NM_001282548.2); c.215+16200C>G (NM_001282545.2); c.364+11436C>G (NM_001282549.2); short protein forms T338S, T319S.
Identifiers: ClinVar variation 1516504 (VCV001516504.9), dbSNP rs587781313, ClinGen allele CA350454358.